The following is an entry in ClinVar:

ClinVar aggregate classification (germline): Benign/Likely benign. Review status: criteria provided, multiple submitters, no conflicts (2 of 4 stars). 5 submissions from 5 submitters: Benign (2); Likely benign (3). Last evaluated 2026-07-01.

Conditions:
ANK3-related disorder. Also called: ANK3-related condition.

Allele frequency attached by ClinVar (database versions not stated): 1000 Genomes Project 0.00280; 1000 Genomes Project 30x 0.00312; gnomAD 0.00572 and 0.00580; TOPMed 0.00586; gnomAD exomes 0.00630 and 0.00633; ExAC 0.00648; ESP Exome Variant Server 0.00738.
gnomAD v4.1: 10,231 of 1,614,104 alleles (0.63%); highest among the groups gnomAD compares: Middle Eastern, 0.79%; 59 homozygotes.

Submissions (5):

CeGaT Center for Human Genetics Tuebingen
Classification: Likely benign. Last evaluated: 2026-07-01. Review status: criteria provided, single submitter. Criteria: CeGaT Center For Human Genetics Tuebingen Variant Classification Criteria Version 2. Collection method: clinical testing. Allele origin: germline. Affected: yes. Observed: 36 variant alleles.
Comment: ANK3: BP4, BP7, BS2

Labcorp Genetics (formerly Invitae), Labcorp
Classification: Benign. Last evaluated: 2026-01-19. Review status: criteria provided, single submitter. Criteria: Invitae Variant Classification Sherloc (09022015). Collection method: clinical testing. Allele origin: germline.

PreventionGenetics, part of Exact Sciences
Classification: Likely benign for ANK3-related condition. Last evaluated: 2025-05-15. Review status: criteria provided, single submitter. Criteria: ACMG Guidelines, 2015. Collection method: clinical testing. Allele origin: germline.
Comment: This variant is classified as likely benign based on ACMG/AMP sequence variant interpretation guidelines (Richards et al. 2015 PMID: 25741868, with internal and published modifications).

Genetic Services Laboratory, University of Chicago
Classification: Benign. Last evaluated: 2018-01-19. Review status: criteria provided, single submitter. Criteria: ACMG Guidelines, 2015. Collection method: clinical testing. Allele origin: germline. Affected: no.

Breakthrough Genomics
Classification: Likely benign. Review status: criteria provided, single submitter. Criteria: ACMG Guidelines, 2015. Collection method: not provided. Allele origin: germline. Inheritance: Autosomal recessive inheritance. Affected: yes.

NM_020987.5(ANK3):c.1047C>T (p.Cys349=)

Gene: ANK3 (ankyrin 3; minus strand). Cytogenetic location: 10q21.2.
Variant type: single nucleotide variant.
Coding change: c.1047C>T on transcript NM_020987.5 (MANE Select); coding-DNA position 1047, C replaced by T.
Protein change: p.Cys349=; no amino-acid change (cysteine 349 retained).
Molecular consequence: synonymous variant.
Genome position (GRCh38, 1-based): chr10:60,208,183, G>A on the plus strand (C>T on the coding strand, the complement: ANK3 is on the minus strand). VCF-style: chr10-60208183-G-A. GRCh37 (hg19) VCF-style: chr10-61967941-G-A.
Other names: c.1029C>T, p.Cys343= (NM_001204403.2); c.996C>T, p.Cys332= (NM_001204404.2); c.1047C>T, p.Cys349= (NM_001320874.2).
Identifiers: ClinVar variation 210139 (VCV000210139.52), dbSNP rs117138204, ClinGen allele CA205135.
Genomic context (GRCh38, chr10:60,208,183, plus strand): 5'-AGTCAGGTAGTCATTGGTGACATCATCCACGGGTACATTATGCTGGAGGAGAAGCTGGAC[G>A]CAGTTTAAATGATCCCCTTGTGTGGCCATGTGCAATGGAGATAATCCATTCTGGAACACA-3'
Protein context (NP_066267.2, residues 339-359): HMATQGDHLN[Cys349=]VQLLLQHNVP